The following is an entry in ClinVar:

ClinVar aggregate classification (germline): Uncertain significance. Review status: criteria provided, multiple submitters, no conflicts (2 of 4 stars). 2 submissions from 2 submitters: Uncertain significance (2). Last evaluated 2025-11-24.

Conditions:
Familial adenomatous polyposis 2. Also called: MYH-associated polyposis; Adenomas, multiple colorectal; COLORECTAL ADENOMATOUS POLYPOSIS, AUTOSOMAL RECESSIVE; ADENOMAS, MULTIPLE COLORECTAL, AUTOSOMAL RECESSIVE; MUTYH Polyposis; FAP type 2. Identifiers: Orphanet 220460, Orphanet 247798, MedGen C3272841, MONDO:0012041, OMIM 608456.
Hereditary cancer-predisposing syndrome. Also called: Tumor predisposition; Neoplastic Syndromes, Hereditary; Hereditary Cancer Syndrome; Hereditary neoplastic syndrome. Identifiers: Orphanet 140162, MedGen C0027672, MeSH D009386, MONDO:0015356.

gnomAD v4.1: 1 of 1,614,140 alleles (0.000062%); highest among the groups gnomAD compares: Admixed American, 0.0017%; no homozygotes.

Submissions (2):

Labcorp Genetics (formerly Invitae), Labcorp
Classification: Uncertain significance for Familial adenomatous polyposis 2. Last evaluated: 2025-11-24. Review status: criteria provided, single submitter. Criteria: Invitae Variant Classification Sherloc (09022015). Collection method: clinical testing. Allele origin: germline.
Comment: This sequence change replaces threonine, which is neutral and polar, with asparagine, which is neutral and polar, at codon 150 of the MUTYH protein (p.Thr150Asn). This variant is not present in population databases (gnomAD no frequency). This variant has not been reported in the literature in individuals affected with MUTYH-related conditions. ClinVar contains an entry for this variant (Variation ID: 1926761). An algorithm developed to predict the effect of missense changes on protein structure and function outputs the following: PolyPhen-2: "Benign". The asparagine amino acid residue is found in multiple mammalian species, which suggests that this missense change does not adversely affect protein function. In summary, the available evidence is currently insufficient to determine the role of this variant in disease. Therefore, it has been classified as a Variant of Uncertain Significance.

Ambry Genetics
Classification: Uncertain significance for Hereditary cancer-predisposing syndrome. Last evaluated: 2025-08-27. Review status: criteria provided, single submitter. Criteria: Ambry Variant Classification Scheme 2023. Collection method: clinical testing. Allele origin: germline.
Comment: The p.T150N variant (also known as c.449C>A), located in coding exon 5 of the MUTYH gene, results from a C to A substitution at nucleotide position 449. The threonine at codon 150 is replaced by asparagine, an amino acid with similar properties. This amino acid position is conserved. In addition, this alteration is predicted to be tolerated by in silico analysis. Based on the available evidence, the clinical significance of this variant remains unclear.

NM_001048174.2(MUTYH):c.365C>A (p.Thr122Asn)

Gene: MUTYH (mutY DNA glycosylase; minus strand). Cytogenetic location: 1p34.1.
Variant type: single nucleotide variant.
Coding change: c.365C>A on transcript NM_001048174.2 (MANE Select); coding-DNA position 365, C replaced by A.
Protein change: p.Thr122Asn; replaces threonine 122 with asparagine.
Molecular consequence: missense variant. On other transcripts: non-coding transcript variant (1), intron variant (2).
Genome position (GRCh38, 1-based): chr1:45,333,110, G>T on the plus strand (C>A on the coding strand, the complement: MUTYH is on the minus strand). VCF-style: chr1-45333110-G-T. GRCh37 (hg19) VCF-style: chr1-45798782-G-T.
Other names: c.365C>A, p.Thr122Asn (NM_001293195.2, NM_001407070.1, NM_001407072.1 and 6 more transcripts); c.89C>A, p.Thr30Asn (NM_001293196.2, NM_001407091.1, NM_001293192.2); c.440C>A, p.Thr147Asn (NM_001407069.1, NM_012222.3); c.368C>A, p.Thr123Asn (NM_001407071.1, NM_001407078.1, NM_001407079.1 and 2 more transcripts); c.407C>A, p.Thr136Asn (NM_001407073.1, NM_001407083.1, NM_001407085.1); c.281C>A, p.Thr94Asn (NM_001407075.1); c.398C>A, p.Thr133Asn (NM_001407077.1, NM_001293191.2); c.386C>A, p.Thr129Asn (NM_001407087.1); and 3 more; short protein forms T136N, T123N, T133N, T147N, T150N, T30N, T122N, T129N.
Identifiers: ClinVar variation 1926761 (VCV001926761.5), dbSNP rs745507536, ClinGen allele CA340136088.
Genomic context (GRCh38, chr1:45,333,110, plus strand): 5'-CATCTGGGGTCTGACCCATGACCCTTCCCTTCCTCCCCTGGAGTCACCTGCATCCATCCG[G>T]TATAGTAGTTGATCACAGTGGCAACCTGGGTCTGCTGCAGCATGACCTCTGAGACCCACA-3'
Protein context (NP_001041639.1, residues 112-132): TQVATVINYY[Thr122Asn]GWMQKWPTLQ